The following is an entry in ClinVar:

ClinVar aggregate classification (germline): Likely pathogenic (1 of 4 stars; one submission).

Conditions:
Hereditary cancer-predisposing syndrome. Also called: Neoplastic Syndromes, Hereditary; Tumor predisposition; Hereditary Cancer Syndrome; Hereditary neoplastic syndrome. Identifiers: Orphanet 140162, MedGen C0027672, MeSH D009386, MONDO:0015356.

Submission:

Ambry Genetics
Classification: Likely pathogenic for Hereditary cancer-predisposing syndrome. Last evaluated: 2025-04-28. Review status: criteria provided, single submitter. Criteria: Ambry Variant Classification Scheme 2023. Collection method: clinical testing. Allele origin: germline.
Comment: The c.3402+2T>C intronic variant results from a T to C substitution two nucleotides after coding exon 22 in the ATM gene. This nucleotide position is highly conserved in available vertebrate species. In silico splice site analysis predicts that this alteration will weaken the native splice donor site; however, direct evidence is insufficient at this time (Ambry internal data). This variant is considered to be rare based on population cohorts in the Genome Aggregation Database (gnomAD). Alterations that disrupt the canonical splice site are expected to cause aberrant splicing, resulting in an abnormal protein or a transcript that is subject to nonsense-mediated mRNA decay. As such, this alteration is classified as likely pathogenic.

NM_000051.4(ATM):c.3402+2T>C

Gene: ATM (ATM serine/threonine kinase; plus strand). Cytogenetic location: 11q22.3.
Variant type: single nucleotide variant.
Coding change: c.3402+2T>C on transcript NM_000051.4 (MANE Select); the canonical splice donor site of the intron after coding-DNA position 3402, T replaced by C.
Molecular consequence: splice donor variant.
Genome position (GRCh38, 1-based): chr11:108,279,610, T>C. VCF-style: chr11-108279610-T-C. GRCh37 (hg19) VCF-style: chr11-108150337-T-C.
Other names: c.3402+2T>C (NM_001351834.2).
Identifiers: ClinVar variation 231892 (VCV000231892.6), dbSNP rs876659430, ClinGen allele CA10579105.